The following is an entry in ClinVar:

NM_005045.4(RELN):c.7484A>T (p.Asn2495Ile)

Gene: RELN (reelin; minus strand). Cytogenetic location: 7q22.1.
Variant type: single nucleotide variant.
Coding change: c.7484A>T on transcript NM_005045.4 (MANE Select); coding-DNA position 7484, A replaced by T.
Protein change: p.Asn2495Ile; replaces asparagine 2495 with isoleucine.
Molecular consequence: missense variant.
Genome position (GRCh38, 1-based): chr7:103,523,397, T>A on the plus strand (A>T on the coding strand, the complement: RELN is on the minus strand). VCF-style: chr7-103523397-T-A. GRCh37 (hg19) VCF-style: chr7-103163844-T-A.
Other names: c.7484A>T, p.Asn2495Ile (NM_173054.3); short protein forms N2495I.
Identifiers: ClinVar variation 2124270 (VCV002124270.4), dbSNP rs2484755937, ClinGen allele CA368767676.
Genomic context (GRCh38, chr7:103,523,397, plus strand): 5'-AGATGGAATGTGAATCAGGAGCTTTCAACAGAAGGAAGAAAAAAACCGACTTACACGCAG[T>A]TTCCCTGGATGCATCTCCCATGGCCACTGCACATGTCTATGCAGCCATCCCCGATATAGA-3'
Protein context (NP_005036.2, residues 2485-2505): CSGHGRCIQG[Asn2495Ile]CVCDEQWGGL

ClinVar aggregate classification (germline): Uncertain significance (1 of 4 stars; one submission).

Conditions:
Norman-Roberts syndrome (LIS2). Also called: Lissencephaly 2 (Norman-Roberts type). Identifiers: Orphanet 89844, MedGen C0796089, MONDO:0009760, OMIM 257320.
Familial temporal lobe epilepsy 7. Identifiers: Orphanet 101046, MedGen C4225327, MONDO:0014639, OMIM 616436.

Submission:

Labcorp Genetics (formerly Invitae), Labcorp
Classification: Uncertain significance for Familial temporal lobe epilepsy 7; Norman-Roberts syndrome. Last evaluated: 2022-09-20. Review status: criteria provided, single submitter. Criteria: Invitae Variant Classification Sherloc (09022015). Collection method: clinical testing. Allele origin: germline.
Comment: In summary, the available evidence is currently insufficient to determine the role of this variant in disease. Therefore, it has been classified as a Variant of Uncertain Significance. Advanced modeling of protein sequence and biophysical properties (such as structural, functional, and spatial information, amino acid conservation, physicochemical variation, residue mobility, and thermodynamic stability) performed at Invitae indicates that this missense variant is not expected to disrupt RELN protein function. This variant has not been reported in the literature in individuals affected with RELN-related conditions. This variant is not present in population databases (gnomAD no frequency). This sequence change replaces asparagine, which is neutral and polar, with isoleucine, which is neutral and non-polar, at codon 2495 of the RELN protein (p.Asn2495Ile).